The following is an entry in ClinVar:

NM_003664.5(AP3B1):c.228A>C (p.Ala76=)

Gene: AP3B1 (adaptor related protein complex 3 subunit beta 1; minus strand). Cytogenetic location: 5q14.1.
Variant type: single nucleotide variant.
Coding change: c.228A>C on transcript NM_003664.5 (MANE Select); coding-DNA position 228, A replaced by C.
Protein change: p.Ala76=; no amino-acid change (alanine 76 retained).
Molecular consequence: synonymous variant.
Genome position (GRCh38, 1-based): chr5:78,240,913, T>G on the plus strand (A>C on the coding strand, the complement: AP3B1 is on the minus strand). VCF-style: chr5-78240913-T-G. GRCh37 (hg19) VCF-style: chr5-77536737-T-G.
Other names: p.Ala76=; c.81A>C, p.Ala27= (NM_001271769.2); c.228A>C, p.Ala76= (NM_001410752.1).
Identifiers: ClinVar variation 4684851 (VCV004684851.1).
Genomic context (GRCh38, chr5:78,240,913, plus strand): 5'-AAACAGTACCTCAATATTTTTACTGGCCACATTCTTCACAACAGCAGGAAACAGTTCAGA[T>G]GCATTTTTCCCTTTTGCAATCATCTGAAGAATAAACAAAACAGACAATATGGGAAATTCT-3'
Protein context (NP_003655.3, residues 66-86): IVGMIAKGKN[Ala76=]SELFPAVVKN

ClinVar aggregate classification (germline): Likely benign (1 of 4 stars; one submission).

gnomAD v4.1: 2 of 1,613,112 alleles (0.00012%); no homozygotes.

Submission:

Mayo Clinic Laboratories, Mayo Clinic
Classification: Likely benign. Last evaluated: 2025-11-19. Review status: criteria provided, single submitter. Criteria: ACMG Guidelines, 2015. Collection method: clinical testing. Allele origin: germline. Observed: 1 variant allele.
Comment: BP4, BP7